The following is an entry in ClinVar:

ClinVar aggregate classification (germline): Conflicting classifications of pathogenicity. Review status: criteria provided, conflicting classifications (1 of 4 stars). 2 submissions from 2 submitters: Uncertain significance (1); Likely benign (1). Last evaluated 2024-11-06.

Conditions:
Cernunnos-XLF deficiency (IMD124). Also called: NHEJ1 SYNDROME; SCID, AUTOSOMAL RECESSIVE, T CELL-NEGATIVE, B CELL-NEGATIVE, NK CELL-POSITIVE, WITH MICROCEPHALY, GROWTH RETARDATION, AND SENSITIVITY TO IONIZING RADIATION; Severe combined immunodeficiency with sensitivity to ionizing radiation due to NHEJ1 deficiency; SCID, autosomal recessive, T cell-negative, B cell-negative, NK cell-positive, and sensitivity to ionizing radiation due to NHEJ1 deficiency; IMMUNODEFICIENCY 124, SEVERE COMBINED. Identifiers: Orphanet 169079, MedGen C1969799, MONDO:0012650, OMIM 611291.

Allele frequency attached by ClinVar (database versions not stated): gnomAD 0.00001; gnomAD exomes 0.00001 and 0.00002; TOPMed 0.00001; ExAC 0.00002.

Submissions (2):

Labcorp Genetics (formerly Invitae), Labcorp
Classification: Uncertain significance for Cernunnos-XLF deficiency. Last evaluated: 2024-11-06. Review status: criteria provided, single submitter. Criteria: Invitae Variant Classification Sherloc (09022015). Collection method: clinical testing. Allele origin: germline.
Comment: This sequence change replaces glutamic acid, which is acidic and polar, with lysine, which is basic and polar, at codon 92 of the NHEJ1 protein (p.Glu92Lys). This variant is present in population databases (rs754840549, gnomAD 0.01%). This variant has not been reported in the literature in individuals affected with NHEJ1-related conditions. ClinVar contains an entry for this variant (Variation ID: 1367984). Invitae Evidence Modeling of protein sequence and biophysical properties (such as structural, functional, and spatial information, amino acid conservation, physicochemical variation, residue mobility, and thermodynamic stability) indicates that this missense variant is not expected to disrupt NHEJ1 protein function with a negative predictive value of 80%. In summary, the available evidence is currently insufficient to determine the role of this variant in disease. Therefore, it has been classified as a Variant of Uncertain Significance.

Blueprint Genetics
Classification: Likely benign. Last evaluated: 2021-05-18. Review status: criteria provided, single submitter. Criteria: ACMG Guidelines, 2015. Collection method: clinical testing. Allele origin: germline.

NM_024782.3(NHEJ1):c.274G>A (p.Glu92Lys)

Gene: NHEJ1 (non-homologous end joining factor 1; minus strand). Cytogenetic location: 2q35.
Variant type: single nucleotide variant.
Coding change: c.274G>A on transcript NM_024782.3 (MANE Select); coding-DNA position 274, G replaced by A.
Protein change: p.Glu92Lys; replaces glutamic acid 92 with lysine.
Molecular consequence: missense variant. On other transcripts: non-coding transcript variant (1).
Genome position (GRCh38, 1-based): chr2:219,157,588, C>T on the plus strand (G>A on the coding strand, the complement: NHEJ1 is on the minus strand). VCF-style: chr2-219157588-C-T. GRCh37 (hg19) VCF-style: chr2-220022310-C-T.
Other names: c.274G>A, p.Glu92Lys (NM_001377498.1, NM_001377499.1); short protein forms E92K.
Identifiers: ClinVar variation 1367984 (VCV001367984.6), dbSNP rs754840549, ClinGen allele CA2117044.